The following is an entry in ClinVar:

ClinVar aggregate classification (germline): Conflicting classifications of pathogenicity. Review status: criteria provided, conflicting classifications (1 of 4 stars). 3 submissions from 3 submitters: Uncertain significance (2); Likely benign (1). Last evaluated 2026-05-14.

Allele frequency attached by ClinVar (database versions not stated): TOPMed 0.00001; gnomAD 0.00002; gnomAD exomes below 0.00001.
gnomAD v4.1: 6 of 1,613,068 alleles (0.00037%); highest among the groups gnomAD compares: African/African-American, 0.008%; no homozygotes.

Submissions (3):

Ambry Genetics
Classification: Uncertain significance. Last evaluated: 2026-05-14. Review status: criteria provided, single submitter. Criteria: Ambry Variant Classification Scheme 2023. Collection method: clinical testing. Allele origin: germline.
Comment: The c.766T>A (p.W256R) alteration is located in exon 6 (coding exon 5) of the KCNK4 gene. This alteration results from a T to A substitution at nucleotide position 766, causing the tryptophan (W) at amino acid position 256 to be replaced by an arginine (R). Based on data from gnomAD, the A allele has an overall frequency of <0.001% (1/250222) total alleles studied. The highest observed frequency was 0.006% (1/16082) of African alleles. Based on insufficient or conflicting evidence, the clinical significance of this alteration remains unclear.

Labcorp Genetics (formerly Invitae), Labcorp
Classification: Likely benign. Last evaluated: 2025-10-01. Review status: criteria provided, single submitter. Criteria: Invitae Variant Classification Sherloc (09022015). Collection method: clinical testing. Allele origin: germline.

GeneDx
Classification: Uncertain significance. Last evaluated: 2025-07-09. Review status: criteria provided, single submitter. Criteria: GeneDx Variant Classification Process June 2021. Collection method: clinical testing. Allele origin: germline. Affected: yes.
Comment: In silico analysis supports that this missense variant has a deleterious effect on protein structure/function; Has not been previously published as pathogenic or benign to our knowledge

NM_033310.3(KCNK4):c.766T>A (p.Trp256Arg)

Genes: KCNK4 (potassium two pore domain channel subfamily K member 4; plus strand), KCNK4-CATSPERZ (KCNK4-CATSPERZ readthrough (NMD candidate); plus strand). Cytogenetic location: 11q13.1.
Variant type: single nucleotide variant.
Coding change: c.766T>A on transcript NM_033310.3 (MANE Select); coding-DNA position 766, T replaced by A.
Protein change: p.Trp256Arg; replaces tryptophan 256 with arginine.
Molecular consequence: missense variant. On other transcripts: non-coding transcript variant (3).
Genome position (GRCh38, 1-based): chr11:64,298,214, T>A. VCF-style: chr11-64298214-T-A. GRCh37 (hg19) VCF-style: chr11-64065686-T-A.
Other names: c.766T>A (NM_033310.2); c.766T>A, p.Trp256Arg (NM_001317090.2, NM_033311.1); short protein forms W256R.
Identifiers: ClinVar variation 2045136 (VCV002045136.6), dbSNP rs1283277452, ClinGen allele CA381066377.